The following is an entry in ClinVar:

NM_001372.4(DNAH9):c.5444A>G (p.Asp1815Gly)

Gene: DNAH9 (dynein axonemal heavy chain 9; plus strand). Cytogenetic location: 17p12.
Variant type: single nucleotide variant.
Coding change: c.5444A>G on transcript NM_001372.4 (MANE Select); coding-DNA position 5444, A replaced by G.
Protein change: p.Asp1815Gly; replaces aspartic acid 1815 with glycine.
Molecular consequence: missense variant.
Genome position (GRCh38, 1-based): chr17:11,705,077, A>G. VCF-style: chr17-11705077-A-G. GRCh37 (hg19) VCF-style: chr17-11608394-A-G.
Other names: short protein forms D1815G.
Identifiers: ClinVar variation 4771954 (VCV004771954.1).

ClinVar aggregate classification (germline): Uncertain significance (1 of 4 stars; one submission).

gnomAD v4.1: 2 of 1,614,188 alleles (0.00012%); highest among the groups gnomAD compares: Middle Eastern, 0.016%; no homozygotes.

Submission:

Labcorp Genetics (formerly Invitae), Labcorp
Classification: Uncertain significance. Last evaluated: 2025-08-04. Review status: criteria provided, single submitter. Criteria: Invitae Variant Classification Sherloc (09022015). Collection method: clinical testing. Allele origin: germline.
Comment: This sequence change replaces aspartic acid, which is acidic and polar, with glycine, which is neutral and non-polar, at codon 1815 of the DNAH9 protein (p.Asp1815Gly). This variant is not present in population databases (gnomAD no frequency). This missense change has been observed in individual(s) with primary ciliary dyskinesia (internal data). Invitae Evidence Modeling of protein sequence and biophysical properties (such as structural, functional, and spatial information, amino acid conservation, physicochemical variation, residue mobility, and thermodynamic stability) indicates that this missense variant is not expected to disrupt DNAH9 protein function with a negative predictive value of 80%. In summary, the available evidence is currently insufficient to determine the role of this variant in disease. Therefore, it has been classified as a Variant of Uncertain Significance.